The following is an entry in ClinVar:

ClinVar aggregate classification (germline): Uncertain significance (1 of 4 stars; one submission).

gnomAD v4.1: 14 of 1,610,286 alleles (0.00087%); highest among the groups gnomAD compares: African/African-American, 0.0027%; no homozygotes.

Submission:

Women's Health and Genetics/Laboratory Corporation of America, LabCorp
Classification: Uncertain significance. Last evaluated: 2024-05-24. Review status: criteria provided, single submitter. Criteria: LabCorp Variant Classification Summary - May 2015. Collection method: clinical testing. Allele origin: germline.
Comment: Variant summary: KIAA1033 (WASHC4) c.2011-1G>A is located in a canonical splice-site and is predicted to affect mRNA splicing resulting in a significantly altered protein due to either exon skipping, shortening, or inclusion of intronic material. However, current evidence is insufficient to establish loss of function as a mechanism of disease. Several computational tools predict a significant impact on normal splicing: Two predict the variant abolishes a 3' acceptor site. These predictions have yet to be confirmed by functional studies. The variant allele was found at a frequency of 4e-06 in 247998 control chromosomes. The available data on variant occurrences in the general population are insufficient to allow any conclusion about variant significance. To our knowledge, no occurrence of c.2011-1G>A in individuals affected with Mental Retardation, Autosomal Recessive 43 and no experimental evidence demonstrating its impact on protein function have been reported. No submitters have cited clinical-significance assessments for this variant to ClinVar. Based on the evidence outlined above, the variant was classified as uncertain significance.

NM_015275.3(WASHC4):c.2011-1G>A

Gene: WASHC4 (WASH complex subunit 4; plus strand). Cytogenetic location: 12q23.3.
Variant type: single nucleotide variant.
Coding change: c.2011-1G>A on transcript NM_015275.3 (MANE Select); the canonical splice acceptor site of the intron before coding-DNA position 2011, G replaced by A.
Molecular consequence: splice acceptor variant.
Genome position (GRCh38, 1-based): chr12:105,144,286, G>A. VCF-style: chr12-105144286-G-A. GRCh37 (hg19) VCF-style: chr12-105538064-G-A.
Other names: c.2014-1G>A (NM_001293640.2).
Identifiers: ClinVar variation 3336385 (VCV003336385.1).